The following is an entry in ClinVar:

ClinVar aggregate classification (germline): Benign (1 of 4 stars; one submission).

Conditions:
Pyruvate dehydrogenase E1-alpha deficiency (PDHAD). Also called: ATAXIA, INTERMITTENT, WITH PYRUVATE DEHYDROGENASE DEFICIENCY; ATAXIA WITH LACTIC ACIDOSIS I; ATAXIA, INTERMITTENT, WITH ABNORMAL PYRUVATE METABOLISM; Ataxia, intermittent, with pyruvate dehydrogenase, or decarboxylase, deficiency. Identifiers: Orphanet 79243, MedGen C1839413, MONDO:0010717, OMIM 312170.

Allele frequency attached by ClinVar (database versions not stated): gnomAD exomes 0.00005; gnomAD 0.00011; TOPMed 0.00012; 1000 Genomes Project 30x 0.00042; 1000 Genomes Project 0.00053.
gnomAD v4.1: 26 of 418,787 alleles (0.0062%); highest among the groups gnomAD compares: Admixed American, 0.06%; no homozygotes.

Submission:

Illumina Laboratory Services, Illumina
Classification: Benign for Pyruvate dehydrogenase E1-alpha deficiency. Last evaluated: 2018-01-13. Review status: criteria provided, single submitter. Criteria: ICSL Variant Classification Criteria 13 December 2019. Collection method: clinical testing. Allele origin: germline.
Comment: This variant was observed in the ICSL laboratory as part of a predisposition screen in an ostensibly healthy population. It had not been previously curated by ICSL or reported in the Human Gene Mutation Database (HGMD: prior to June 1st, 2018), and was therefore a candidate for classification through an automated scoring system. Utilizing variant allele frequency, disease prevalence and penetrance estimates, and inheritance mode, an automated score was calculated to assess if this variant is too frequent to cause the disease. Based on the score and internal cut-off values, a variant classified as benign is not then subjected to further curation. The score for this variant resulted in a classification of benign for this disease.

NM_000284.4(PDHA1):c.*1450C>T

Genes: PDHA1 (pyruvate dehydrogenase E1 subunit alpha 1; plus strand), MAP3K15 (mitogen-activated protein kinase kinase kinase 15; minus strand). Cytogenetic location: Xp22.12.
Variant type: single nucleotide variant.
Coding change: c.*1450C>T on transcript NM_000284.4 (MANE Select); 1450 bases downstream of the stop codon, C replaced by T.
Molecular consequence: 3 prime UTR variant. On other transcripts: intron variant (1).
Genome position (GRCh38, 1-based): chrX:19,361,103, C>T. VCF-style: chrX-19361103-C-T. GRCh37 (hg19) VCF-style: chrX-19379221-C-T.
Other names: c.*1450C>T (NM_001173454.2, NM_001173455.2, NM_001173456.2); c.3857+236G>A (NM_001001671.4).
Identifiers: ClinVar variation 913017 (VCV000913017.4), dbSNP rs747229060, ClinGen allele CA327032930.